The following is an entry in ClinVar:

NM_003716.4(CADPS):c.2727+6T>C

Gene: CADPS (calcium dependent secretion activator; minus strand). Cytogenetic location: 3p14.2.
Variant type: single nucleotide variant.
Coding change: c.2727+6T>C on transcript NM_003716.4 (MANE Select); 6 bases into the intron after coding-DNA position 2727, T replaced by C.
Molecular consequence: intron variant.
Genome position (GRCh38, 1-based): chr3:62,493,639, A>G on the plus strand (T>C on the coding strand, the complement: CADPS is on the minus strand). VCF-style: chr3-62493639-A-G. GRCh37 (hg19) VCF-style: chr3-62479314-A-G.
Other names: NC_000003.11:g.62479314A>G; c.2638-1193T>C (NM_183393.3); c.2758-1193T>C (NM_183394.3).
Identifiers: ClinVar variation 746598 (VCV000746598.6), dbSNP rs145339043, ClinGen allele CA2476578.

ClinVar aggregate classification (germline): Benign. Review status: criteria provided, single submitter (1 of 4 stars). 2 submissions from 2 submitters: Benign (1). 1 of the submissions does not count toward it. Last evaluated 2018-04-16.

Conditions:
CADPS-related disorder. Also called: CADPS-related condition.

Allele frequency attached by ClinVar (database versions not stated): gnomAD 0.00230 and 0.00214; 1000 Genomes Project 0.00140; 1000 Genomes Project 30x 0.00203; gnomAD exomes 0.00047; ExAC 0.00117; TOPMed 0.00231; ESP Exome Variant Server 0.00289.
gnomAD v4.1: 604 of 1,554,706 alleles (0.039%); highest among the groups gnomAD compares: African/African-American, 0.73%; 2 homozygotes.

Submissions (3):

Labcorp Genetics (formerly Invitae), Labcorp
Classification: Benign. Last evaluated: 2018-04-16. Review status: criteria provided, single submitter. Criteria: Invitae Variant Classification Sherloc (09022015). Collection method: clinical testing. Allele origin: germline.

PreventionGenetics, part of Exact Sciences
Classification: Benign for CADPS-related condition. Last evaluated: 2019-10-16. Review status: no assertion criteria provided. Collection method: clinical testing. Allele origin: germline. Not counted in ClinVar's aggregate classification.
Comment: This variant is classified as benign based on ACMG/AMP sequence variant interpretation guidelines (Richards et al. 2015 PMID: 25741868, with internal and published modifications).

Dr. Peter K. Rogan Lab, Western University
No classification provided (evidence only). Condition: Uterine corpus endometrial carcinoma. Review status: no classification provided. Collection method: in vitro. Allele origin: not applicable. Functional consequence: skipped exon. Not counted in ClinVar's aggregate classification.